The following is an entry in ClinVar:

NM_003742.4(ABCB11):c.2359G>A (p.Asp787Asn)

Gene: ABCB11 (ATP binding cassette subfamily B member 11; minus strand). Cytogenetic location: 2q31.1.
Variant type: single nucleotide variant.
Coding change: c.2359G>A on transcript NM_003742.4 (MANE Select); coding-DNA position 2359, G replaced by A.
Protein change: p.Asp787Asn; replaces aspartic acid 787 with asparagine.
Molecular consequence: missense variant.
Genome position (GRCh38, 1-based): chr2:168,944,946, C>T on the plus strand (G>A on the coding strand, the complement: ABCB11 is on the minus strand). VCF-style: chr2-168944946-C-T. GRCh37 (hg19) VCF-style: chr2-169801456-C-T.
Other names: short protein forms D787N.
Identifiers: ClinVar variation 3775652 (VCV003775652.1).

ClinVar aggregate classification (germline): Uncertain significance (1 of 4 stars; one submission).

Conditions:
Progressive familial intrahepatic cholestasis type 2. Identifiers: Orphanet 79304, MedGen C3489789, MONDO:0011156, OMIM 601847.

gnomAD v4.1: 2 of 1,553,246 alleles (0.00013%); highest among the groups gnomAD compares: Middle Eastern, 0.034%; no homozygotes.

Submission:

3billion
Classification: Uncertain significance for Progressive familial intrahepatic cholestasis type 2. Last evaluated: 2024-01-31. Review status: criteria provided, single submitter. Criteria: ACMG Guidelines, 2015. Collection method: clinical testing. Allele origin: germline. Affected: yes.
Comment: The variant is not observed in the gnomAD v2.1.1 dataset. Predicted Consequence/Location: Missense variant In silico tools predict the variant to alter splicing and produce an abnormal transcript [SpliceAI: 0.22 (>=0.2, moderate evidence for spliceogenicity)]. Therefore, this variant is classified as VUS according to the recommendation of ACMG/AMP guideline.